The following is an entry in ClinVar:

ClinVar aggregate classification (germline): Uncertain significance (1 of 4 stars; one submission).

Submission:

GeneDx
Classification: Uncertain significance. Last evaluated: 2025-04-10. Review status: criteria provided, single submitter. Criteria: GeneDx Variant Classification Process June 2021. Collection method: clinical testing. Allele origin: germline. Affected: yes.
Comment: Not observed at significant frequency in large population cohorts (gnomAD); In silico analysis supports that this missense variant has a deleterious effect on protein structure/function; Has not been previously published as pathogenic or benign to our knowledge

NM_003106.4(SOX2):c.511T>A (p.Tyr171Asn)

Genes: SOX2 (SRY-box transcription factor 2; plus strand), SOX2-OT (SOX2 overlapping transcript; plus strand), LOC108281177 (SOX2 5' regulatory region; plus strand). Cytogenetic location: 3q26.33.
Variant type: single nucleotide variant.
Coding change: c.511T>A on transcript NM_003106.4 (MANE Select); coding-DNA position 511, T replaced by A.
Protein change: p.Tyr171Asn; replaces tyrosine 171 with asparagine.
Molecular consequence: missense variant.
Genome position (GRCh38, 1-based): chr3:181,712,871, T>A. VCF-style: chr3-181712871-T-A. GRCh37 (hg19) VCF-style: chr3-181430659-T-A.
Other names: short protein forms Y171N.
Identifiers: ClinVar variation 4282096 (VCV004282096.1).